The following is an entry in ClinVar:

ClinVar aggregate classification (germline): Conflicting classifications of pathogenicity. Review status: criteria provided, conflicting classifications (1 of 4 stars). 5 submissions from 5 submitters: Uncertain significance (3); Likely benign (1). 1 of the submissions does not count toward it. Last evaluated 2025-06-17.

Conditions:
SOS1-related disorder. Also called: SOS1-related condition.
RASopathy. Also called: rasopathies; Noonan spectrum disorder. Identifiers: Orphanet 536391, MedGen C5555857, MONDO:0021060.
Cardiovascular phenotype. Identifiers: MedGen CN230736.

Allele frequency attached by ClinVar (database versions not stated): gnomAD 0.00003 and 0.00004; TOPMed 0.00003; gnomAD exomes 0.00004 and 0.00005; ExAC 0.00008; ESP Exome Variant Server 0.00008.
gnomAD v4.1: 61 of 1,605,874 alleles (0.0038%); highest among the groups gnomAD compares: Non-Finnish European, 0.0038%; no homozygotes.

Submissions (5):

Labcorp Genetics (formerly Invitae), Labcorp
Classification: Uncertain significance for RASopathy. Last evaluated: 2025-06-17. Review status: criteria provided, single submitter. Criteria: Invitae Variant Classification Sherloc (09022015). Collection method: clinical testing. Allele origin: germline.
Comment: This sequence change replaces glutamine, which is neutral and polar, with lysine, which is basic and polar, at codon 863 of the SOS1 protein (p.Gln863Lys). This variant is present in population databases (rs141501083, gnomAD 0.01%), and has an allele count higher than expected for a pathogenic variant. This missense change has been observed in individual(s) with Noonan syndrome (PMID: 31368652). ClinVar contains an entry for this variant (Variation ID: 1198633). Invitae Evidence Modeling of protein sequence and biophysical properties (such as structural, functional, and spatial information, amino acid conservation, physicochemical variation, residue mobility, and thermodynamic stability) has been performed for this missense variant. However, the output from this modeling did not meet the statistical confidence thresholds required to predict the impact of this variant on SOS1 protein function. In summary, the available evidence is currently insufficient to determine the role of this variant in disease. Therefore, it has been classified as a Variant of Uncertain Significance.

Ambry Genetics
Classification: Uncertain significance for Cardiovascular phenotype. Last evaluated: 2023-12-15. Review status: criteria provided, single submitter. Criteria: Ambry Variant Classification Scheme 2023. Collection method: clinical testing. Allele origin: germline.
Comment: The p.Q863K variant (also known as c.2587C>A), located in coding exon 16 of the SOS1 gene, results from a C to A substitution at nucleotide position 2587. The glutamine at codon 863 is replaced by lysine, an amino acid with similar properties. This amino acid position is highly conserved in available vertebrate species. In addition, the in silico prediction for this alteration is inconclusive. Since supporting evidence is limited at this time, the clinical significance of this alteration remains unclear.

Women's Health and Genetics/Laboratory Corporation of America, LabCorp
Classification: Uncertain significance. Last evaluated: 2022-04-25. Review status: criteria provided, single submitter. Criteria: LabCorp Variant Classification Summary - May 2015. Collection method: clinical testing. Allele origin: germline.
Comment: Variant summary: SOS1 c.2587C>A (p.Gln863Lys) results in a conservative amino acid change located in the catalytic domain (IPR001895) of the encoded protein sequence. Four of five in-silico tools predict a benign effect of the variant on protein function. The variant allele was found at a frequency of 4.8e-05 in 251150 control chromosomes (gnomAD), predominantly at a frequency of 8.8e-05 within the Non-Finnish European subpopulation in the gnomAD database. The observed variant frequency within Non-Finnish European control individuals in the gnomAD database is approximately 3 fold of the estimated maximal expected allele frequency for a pathogenic variant in SOS1 causing the Noonan Syndrome phenotype (3e-05), suggesting that the variant is a benign polymorphism found primarily in populations of Non-Finnish European origin. The variant, c.2587C>A, has been reported in the literature in a child affected with hypertrophic obstructive cardiomyopathy (degree of dysmorphic features not specified), who inherited the variant from a parent who showed very mild features that could resemble to Noonan Syndrome (Baban_2019). This report does not provide unequivocal conclusions about association of the variant with Noonan Syndrome. To our knowledge, no experimental evidence demonstrating an impact on protein function has been reported. One clinical diagnostic laboratory has submitted clinical-significance assessments for this variant to ClinVar after 2014 without evidence for independent evaluation, and classified the variant as likely benign. Based on the evidence outlined above, the variant was classified as VUS-possibly benign.

GeneDx
Classification: Likely benign. Last evaluated: 2018-11-26. Review status: criteria provided, single submitter. Criteria: GeneDx Variant Classification Process June 2021. Collection method: clinical testing. Allele origin: germline. Affected: yes.
Comment: This variant is associated with the following publications: (PMID: 31368652)

PreventionGenetics, part of Exact Sciences
Classification: Uncertain significance for SOS1-related condition. Last evaluated: 2024-02-13. Review status: no assertion criteria provided. Collection method: clinical testing. Allele origin: germline. Not counted in ClinVar's aggregate classification.
Comment: The SOS1 c.2587C>A variant is predicted to result in the amino acid substitution p.Gln863Lys. This variant was reported in an individual with Noonan syndrome features, who inherited the variant from their father (Table 1, Patient 5, Baban et al 2019. PubMed ID: 31368652). This variant is reported in 0.010% of alleles in individuals of European (Non-Finnish) descent in gnomAD. At this time, the clinical significance of this variant is uncertain due to the absence of conclusive functional and genetic evidence.

Literature cited by the submitters: PubMed 31368652 (cited by 3 submitters).

NM_005633.4(SOS1):c.2587C>A (p.Gln863Lys)

Gene: SOS1 (SOS Ras/Rac guanine nucleotide exchange factor 1; minus strand). Cytogenetic location: 2p22.1.
Variant type: single nucleotide variant.
Coding change: c.2587C>A on transcript NM_005633.4 (MANE Select); coding-DNA position 2587, C replaced by A.
Protein change: p.Gln863Lys; replaces glutamine 863 with lysine.
Molecular consequence: missense variant.
Genome position (GRCh38, 1-based): chr2:39,007,117, G>T on the plus strand (C>A on the coding strand, the complement: SOS1 is on the minus strand). VCF-style: chr2-39007117-G-T. GRCh37 (hg19) VCF-style: chr2-39234258-G-T.
Other names: c.2566C>A, p.Gln856Lys (NM_001382394.1); c.2587C>A, p.Gln863Lys (NM_001382395.1); short protein forms Q856K, Q863K.
Identifiers: ClinVar variation 1198633 (VCV001198633.11), dbSNP rs141501083, ClinGen allele CA1624379.